The following is an entry in ClinVar:

ClinVar aggregate classification (germline): Uncertain significance (1 of 4 stars; one submission).

gnomAD v4.1: 1 of 1,613,922 alleles (0.000062%); highest among the groups gnomAD compares: South Asian, 0.0011%; no homozygotes.

Submission:

Ambry Genetics
Classification: Uncertain significance. Last evaluated: 2024-10-12. Review status: criteria provided, single submitter. Criteria: Ambry Variant Classification Scheme 2023. Collection method: clinical testing. Allele origin: germline.
Comment: The p.T479R variant (also known as c.1436C>G), located in coding exon 13 of the BUB1 gene, results from a C to G substitution at nucleotide position 1436. The threonine at codon 479 is replaced by arginine, an amino acid with similar properties. This amino acid position is conserved. In addition, the in silico prediction for this alteration is inconclusive. Based on the available evidence, the clinical significance of this variant remains unclear.

NM_004336.5(BUB1):c.1436C>G (p.Thr479Arg)

Gene: BUB1 (BUB1 mitotic checkpoint serine/threonine kinase; minus strand). Cytogenetic location: 2q13.
Variant type: single nucleotide variant.
Coding change: c.1436C>G on transcript NM_004336.5 (MANE Select); coding-DNA position 1436, C replaced by G.
Protein change: p.Thr479Arg; replaces threonine 479 with arginine.
Molecular consequence: missense variant.
Genome position (GRCh38, 1-based): chr2:110,658,490, G>C on the plus strand (C>G on the coding strand, the complement: BUB1 is on the minus strand). VCF-style: chr2-110658490-G-C. GRCh37 (hg19) VCF-style: chr2-111416067-G-C.
Other names: c.1376C>G, p.Thr459Arg (NM_001278616.2); c.1436C>G, p.Thr479Arg (NM_001278617.2); short protein forms T459R, T479R.
Identifiers: ClinVar variation 3482987 (VCV003482987.1).